The following is an entry in ClinVar:

NM_001184.4(ATR):c.1018G>T (p.Asp340Tyr)

Gene: ATR (ATR checkpoint kinase; minus strand). Cytogenetic location: 3q23.
Variant type: single nucleotide variant.
Coding change: c.1018G>T on transcript NM_001184.4 (MANE Select); coding-DNA position 1018, G replaced by T.
Protein change: p.Asp340Tyr; replaces aspartic acid 340 with tyrosine.
Molecular consequence: missense variant.
Genome position (GRCh38, 1-based): chr3:142,562,384, C>A on the plus strand (G>T on the coding strand, the complement: ATR is on the minus strand). VCF-style: chr3-142562384-C-A. GRCh37 (hg19) VCF-style: chr3-142281226-C-A.
Other names: c.1018G>T, p.Asp340Tyr (NM_001354579.2); short protein forms D340Y.
Identifiers: ClinVar variation 1488420 (VCV001488420.8), dbSNP rs2108487096, ClinGen allele CA354823999.
Genomic context (GRCh38, chr3:142,562,384, plus strand): 5'-CAGCTGGCACAAATTTAAGGAAATACTGCAGTAAATGGCACAAAGCTGCTTTTAGCAAAT[C>A]AGACTTAAGCCGCATGAGCACACCGTCTTCAAACATGACACAGAGTTTTTCCAGCAGCAT-3'
Protein context (NP_001175.2, residues 330-350): EDGVLMRLKS[Asp340Tyr]LLKAALCHLL

ClinVar aggregate classification (germline): Uncertain significance (1 of 4 stars; one submission).

Submission:

Labcorp Genetics (formerly Invitae), Labcorp
Classification: Uncertain significance. Last evaluated: 2021-05-04. Review status: criteria provided, single submitter. Criteria: Invitae Variant Classification Sherloc (09022015). Collection method: clinical testing. Allele origin: germline.
Comment: In summary, the available evidence is currently insufficient to determine the role of this variant in disease. Therefore, it has been classified as a Variant of Uncertain Significance. Algorithms developed to predict the effect of missense changes on protein structure and function are either unavailable or do not agree on the potential impact of this missense change (SIFT: "Deleterious"; PolyPhen-2: "Benign"; Align-GVGD: "Class C0"). This variant has not been reported in the literature in individuals with ATR-related conditions. This variant is not present in population databases (ExAC no frequency). This sequence change replaces aspartic acid with tyrosine at codon 340 of the ATR protein (p.Asp340Tyr). The aspartic acid residue is moderately conserved and there is a large physicochemical difference between aspartic acid and tyrosine.